The following is an entry in ClinVar:

ClinVar aggregate classification (germline): Benign/Likely benign. Review status: criteria provided, multiple submitters, no conflicts (2 of 4 stars). 8 submissions from 8 submitters: Benign (7); Likely benign (1). Last evaluated 2026-02-03.

Conditions:
Inborn genetic diseases. Identifiers: MedGen C0950123, MeSH D030342.

Allele frequency attached by ClinVar (database versions not stated): gnomAD exomes 0.00103; ExAC 0.00109; gnomAD 0.00387 and 0.00419; TOPMed 0.00428; ESP Exome Variant Server 0.00431; 1000 Genomes Project 30x 0.00484; 1000 Genomes Project 0.00499.
gnomAD v4.1: 1,146 of 1,614,186 alleles (0.071%); highest among the groups gnomAD compares: African/African-American, 1.3%; 15 homozygotes.

Submissions (8):

Labcorp Genetics (formerly Invitae), Labcorp
Classification: Benign. Last evaluated: 2026-02-03. Review status: criteria provided, single submitter. Criteria: Invitae Variant Classification Sherloc (09022015). Collection method: clinical testing. Allele origin: germline.

Mayo Clinic Laboratories, Mayo Clinic
Classification: Benign. Last evaluated: 2024-10-14. Review status: criteria provided, single submitter. Criteria: ACMG Guidelines, 2015. Collection method: clinical testing. Allele origin: germline. Observed: 4 variant alleles.
Comment: BS1, BS2, BP4, BP7

CeGaT Center for Human Genetics Tuebingen
Classification: Benign. Last evaluated: 2024-05-01. Review status: criteria provided, single submitter. Criteria: CeGaT Center For Human Genetics Tuebingen Variant Classification Criteria Version 2. Collection method: clinical testing. Allele origin: germline. Affected: yes. Observed: 1 variant allele.
Comment: TPP1: BP4, BP7, BS1, BS2

Women's Health and Genetics/Laboratory Corporation of America, LabCorp
Classification: Likely benign. Last evaluated: 2022-02-18. Review status: criteria provided, single submitter. Criteria: LabCorp Variant Classification Summary - May 2015. Collection method: clinical testing. Allele origin: germline.

Athena Diagnostics
Classification: Benign. Last evaluated: 2019-11-08. Review status: criteria provided, single submitter. Criteria: Athena Diagnostics Criteria. Collection method: clinical testing. Allele origin: unknown.

Ambry Genetics
Classification: Benign for Inborn genetic diseases. Last evaluated: 2016-07-05. Review status: criteria provided, single submitter. Criteria: Ambry Variant Classification Scheme 2023. Collection method: clinical testing. Allele origin: germline.

GeneDx
Classification: Benign. Last evaluated: 2013-05-13. Review status: criteria provided, single submitter. Criteria: GeneDx Variant Classification (06012015). Collection method: clinical testing. Allele origin: germline. Affected: yes.
Comment: This variant is considered likely benign or benign based on one or more of the following criteria: it is a conservative change, it occurs at a poorly conserved position in the protein, it is predicted to be benign by multiple in silico algorithms, and/or has population frequency not consistent with disease.

PreventionGenetics, part of Exact Sciences
Classification: Benign. Review status: criteria provided, single submitter. Criteria: ACMG Guidelines, 2015. Collection method: clinical testing. Allele origin: germline.

NM_000391.4(TPP1):c.42C>A (p.Ile14=)

Gene: TPP1 (tripeptidyl peptidase 1; minus strand). Cytogenetic location: 11p15.4.
Variant type: single nucleotide variant.
Coding change: c.42C>A on transcript NM_000391.4 (MANE Select); coding-DNA position 42, C replaced by A.
Protein change: p.Ile14=; no amino-acid change (isoleucine 14 retained).
Molecular consequence: synonymous variant.
Genome position (GRCh38, 1-based): chr11:6,619,243, G>T on the plus strand (C>A on the coding strand, the complement: TPP1 is on the minus strand). VCF-style: chr11-6619243-G-T. GRCh37 (hg19) VCF-style: chr11-6640474-G-T.
Other names: p.I14I:ATC>ATA; p.Ile14=.
Identifiers: ClinVar variation 137707 (VCV000137707.39), dbSNP rs35903915, ClinGen allele CA291367.